The following is an entry in ClinVar:

NM_001754.5(RUNX1):c.361C>A (p.Leu121Ile)

Genes: RUNX1 (RUNX family transcription factor 1; minus strand), RUNX1-AS1 (RUNX1 antisense RNA 1; plus strand). Cytogenetic location: 21q22.12.
Variant type: single nucleotide variant.
Coding change: c.361C>A on transcript NM_001754.5 (MANE Select); coding-DNA position 361, C replaced by A.
Protein change: p.Leu121Ile; replaces leucine 121 with isoleucine.
Molecular consequence: missense variant.
Genome position (GRCh38, 1-based): chr21:34,880,704, G>T on the plus strand (C>A on the coding strand, the complement: RUNX1 is on the minus strand). VCF-style: chr21-34880704-G-T. GRCh37 (hg19) VCF-style: chr21-36253001-G-T.
Other names: NM_001754.5(RUNX1):c.361C>A; p.Leu121Ile; c.280C>A, p.Leu94Ile (NM_001001890.3, NM_001122607.2); c.361C>A (NM_001754.4); short protein forms L121I, L94I.
Identifiers: ClinVar variation 1363734 (VCV001363734.10), dbSNP rs2146363846, ClinGen allele CA410202774.

ClinVar aggregate classification (germline): Uncertain significance. Review status: reviewed by expert panel (3 of 4 stars). 3 submissions from 3 submitters: Uncertain significance (1). 2 of the submissions do not count toward it. Last evaluated 2024-09-12.

Conditions:
Hereditary thrombocytopenia and hematologic cancer predisposition syndrome. Identifiers: Orphanet 71290, MedGen CN281654, MONDO:0011071.
Inborn genetic diseases. Identifiers: MedGen C0950123, MeSH D030342.
Hereditary thrombocytopenia and hematological cancer predisposition syndrome associated with RUNX1. Also called: PLATELET DISORDER, ASPIRIN-LIKE; RUNX1 Familial Platelet Disorder with Associated Myeloid Malignancies; Familial Platelet Disorder with Propensity to Acute Myelogenous Leukemia; Familial thrombocytopenia with propensity to acute myelogenous leukemia. Identifiers: Orphanet 71290, MedGen C1832388, MeSH C563324, MONDO:0100083, OMIM 601399.

Allele frequency attached by ClinVar (database versions not stated): gnomAD exomes below 0.00001.
gnomAD v4.1: 1 of 1,614,010 alleles (0.000062%); highest among the groups gnomAD compares: Non-Finnish European, 0.000085%; no homozygotes.

Submissions (3):

ClinGen Myeloid Malignancy Variant Curation Expert Panel
Classification: Uncertain significance for Hereditary thrombocytopenia and hematologic cancer predisposition syndrome. Last evaluated: 2024-09-12. Review status: reviewed by expert panel. Criteria: ClinGen MyeloMalig ACMG Specifications v2. Collection method: curation. Allele origin: germline. Inheritance: Autosomal dominant inheritance.
Comment: NM_001754.5(RUNX1):c.361C>A (p.Leu121Ile) is a missense variant which is located within the Runt Homology Domain (AA 89-204), but does not occur in an established hotspot residue (PM1_supporting). This variant is completely absent from all population databases (gnomAD v3) with at least 20x coverage for RUNX1 (PM2_supporting). In summary, the clinical significance of this variant is uncertain. ACMG/AMP criteria applied, as specified by the Myeloid Malignancy Variant Curation Expert Panel for RUNX1: PM1_supporting, PM2_supporting.

Ambry Genetics
Classification: Uncertain significance for Inborn genetic diseases. Last evaluated: 2024-12-29. Review status: criteria provided, single submitter. Criteria: Ambry Variant Classification Scheme 2023. Collection method: clinical testing. Allele origin: germline. Not counted in ClinVar's aggregate classification.
Comment: The p.L121I variant (also known as c.361C>A), located in coding exon 4 of the RUNX1 gene, results from a C to A substitution at nucleotide position 361. The leucine at codon 121 is replaced by isoleucine, an amino acid with highly similar properties. This amino acid position is conserved. In addition, this alteration is predicted to be deleterious by in silico analysis. Based on the available evidence, the clinical significance of this variant remains unclear.

Labcorp Genetics (formerly Invitae), Labcorp
Classification: Uncertain significance for Hereditary thrombocytopenia and hematological cancer predisposition syndrome associated with RUNX1. Last evaluated: 2021-09-19. Review status: criteria provided, single submitter. Criteria: Invitae Variant Classification Sherloc (09022015). Collection method: clinical testing. Allele origin: germline. Not counted in ClinVar's aggregate classification.
Comment: This sequence change replaces leucine with isoleucine at codon 121 of the RUNX1 protein (p.Leu121Ile). The leucine residue is highly conserved and there is a small physicochemical difference between leucine and isoleucine. This variant is not present in population databases (ExAC no frequency). This variant has not been reported in the literature in individuals with RUNX1-related conditions. Algorithms developed to predict the effect of missense changes on protein structure and function are either unavailable or do not agree on the potential impact of this missense change (SIFT: "Deleterious"; PolyPhen-2: "Probably Damaging"; Align-GVGD: "Class C0"). In summary, the available evidence is currently insufficient to determine the role of this variant in disease. Therefore, it has been classified as a Variant of Uncertain Significance.